The following is an entry in ClinVar:

NM_004369.4(COL6A3):c.8337C>A (p.Asn2779Lys)

Gene: COL6A3 (collagen type VI alpha 3 chain; minus strand). Cytogenetic location: 2q37.3.
Variant type: single nucleotide variant.
Coding change: c.8337C>A on transcript NM_004369.4 (MANE Select); coding-DNA position 8337, C replaced by A.
Protein change: p.Asn2779Lys; replaces asparagine 2779 with lysine.
Molecular consequence: missense variant.
Genome position (GRCh38, 1-based): chr2:237,340,579, G>T on the plus strand (C>A on the coding strand, the complement: COL6A3 is on the minus strand). VCF-style: chr2-237340579-G-T. GRCh37 (hg19) VCF-style: chr2-238249222-G-T.
Other names: c.6516C>A, p.Asn2172Lys (NM_057166.5); c.7719C>A, p.Asn2573Lys (NM_057167.4); short protein forms N2779K, N2573K, N2172K.
Identifiers: ClinVar variation 451122 (VCV000451122.2), dbSNP rs1338421880, ClinGen allele CA351195151.
Genomic context (GRCh38, chr2:237,340,579, plus strand): 5'-GTCCACTAATTTGAAGAAGACGTCGTTTGGCTCACTGGCGAAGGTGTATACCTCCTTGAT[G>T]TTCACCTTCCTGCCAATGCCCAGGACCACGAAGAAGTAGCCCTTGCATTTGGCCTGCAGG-3'
Protein context (NP_004360.2, residues 2769-2789): FVVLGIGRKV[Asn2779Lys]IKEVYTFASE

ClinVar aggregate classification (germline): Uncertain significance (1 of 4 stars; one submission).

Submission:

GeneDx
Classification: Uncertain significance. Last evaluated: 2017-08-02. Review status: criteria provided, single submitter. Criteria: GeneDx Variant Classification (06012015). Collection method: clinical testing. Allele origin: germline. Affected: yes.
Comment: The N2779K variant has not been published as a pathogenic variant, nor has it been reported as a benign variant to our knowledge. The N2779K variant is not observed in large population cohorts (Lek et al., 2016; 1000 Genomes Consortium et al., 2015; Exome Variant Server). This substitution occurs at a position where amino acids with similar properties to Asparagine are tolerated across species. However, this variant is a semi-conservative amino acid substitution, which may impact secondary protein structure as these residues differ in some properties. In silico analysis is inconsistent in its predictions as to whether or not the variant is damaging to the protein structure/function.